The following is an entry in ClinVar:

NM_144643.4(SCLT1):c.1301G>A (p.Arg434His)

Gene: SCLT1 (sodium channel and clathrin linker 1; minus strand). Cytogenetic location: 4q28.2.
Variant type: single nucleotide variant.
Coding change: c.1301G>A on transcript NM_144643.4 (MANE Select); coding-DNA position 1301, G replaced by A.
Protein change: p.Arg434His; replaces arginine 434 with histidine.
Molecular consequence: missense variant.
Genome position (GRCh38, 1-based): chr4:128,946,145, C>T on the plus strand (G>A on the coding strand, the complement: SCLT1 is on the minus strand). VCF-style: chr4-128946145-C-T. GRCh37 (hg19) VCF-style: chr4-129867300-C-T.
Other names: c.1301G>A (NM_144643.2, NM_144643.3); short protein forms R434H.
Identifiers: ClinVar variation 1396951 (VCV001396951.8), dbSNP rs200051986, ClinGen allele CA3079651.

ClinVar aggregate classification (germline): Conflicting classifications of pathogenicity. Review status: criteria provided, conflicting classifications (1 of 4 stars). 4 submissions from 4 submitters: Uncertain significance (3); Likely benign (1). Last evaluated 2026-05-21.

Conditions:
SCLT1-related disorder. Also called: SCLT1-related condition.

Allele frequency attached by ClinVar (database versions not stated): ESP Exome Variant Server 0.00008; 1000 Genomes Project 0.00020; 1000 Genomes Project 30x 0.00031; gnomAD 0.00032 and 0.00035; TOPMed 0.00034.
gnomAD v4.1: 187 of 1,601,718 alleles (0.012%); highest among the groups gnomAD compares: African/African-American, 0.088%; no homozygotes.

Submissions (4):

PreventionGenetics, part of Exact Sciences
Classification: Uncertain significance for SCLT1-related condition. Last evaluated: 2026-05-21. Review status: criteria provided, single submitter. Criteria: ACMG Guidelines, 2015. Collection method: clinical testing. Allele origin: germline.
Comment: The SCLT1 c.1301G>A variant is predicted to result in the amino acid substitution p.Arg434His. To our knowledge, this variant has not been reported in the literature. This variant is reported in 0.068% of alleles in individuals of African descent in gnomAD, which may be too frequent to be a primary cause of disease. Although we suspect that this variant could be benign, the clinical significance of this variant is uncertain at this time due to the absence of conclusive functional and genetic evidence.

Labcorp Genetics (formerly Invitae), Labcorp
Classification: Uncertain significance. Last evaluated: 2024-10-29. Review status: criteria provided, single submitter. Criteria: Invitae Variant Classification Sherloc (09022015). Collection method: clinical testing. Allele origin: germline.
Comment: This sequence change replaces arginine, which is basic and polar, with histidine, which is basic and polar, at codon 434 of the SCLT1 protein (p.Arg434His). This variant is present in population databases (rs200051986, gnomAD 0.07%). This variant has not been reported in the literature in individuals affected with SCLT1-related conditions. ClinVar contains an entry for this variant (Variation ID: 1396951). An algorithm developed to predict the effect of missense changes on protein structure and function outputs the following: PolyPhen-2: "Benign". The histidine amino acid residue is found in multiple mammalian species, which suggests that this missense change does not adversely affect protein function. In summary, the available evidence is currently insufficient to determine the role of this variant in disease. Therefore, it has been classified as a Variant of Uncertain Significance.

Blueprint Genetics
Classification: Likely benign. Last evaluated: 2024-09-10. Review status: criteria provided, single submitter. Criteria: ACMG Guidelines, 2015. Collection method: clinical testing. Allele origin: germline.

Ambry Genetics
Classification: Uncertain significance. Last evaluated: 2023-05-09. Review status: criteria provided, single submitter. Criteria: Ambry Variant Classification Scheme 2023. Collection method: clinical testing. Allele origin: germline.